The following is an entry in ClinVar:

ClinVar aggregate classification (germline): Conflicting classifications of pathogenicity. Review status: criteria provided, conflicting classifications (1 of 4 stars). 2 submissions from 2 submitters: Uncertain significance (1); Likely benign (1). Last evaluated 2026-03-01.

Conditions:
Inborn genetic diseases. Identifiers: MedGen C0950123, MeSH D030342.

gnomAD v4.1: 254 of 1,614,066 alleles (0.016%); highest among the groups gnomAD compares: South Asian, 0.11%; no homozygotes.

Submissions (2):

CeGaT Center for Human Genetics Tuebingen
Classification: Likely benign. Last evaluated: 2026-03-01. Review status: criteria provided, single submitter. Criteria: CeGaT Center For Human Genetics Tuebingen Variant Classification Criteria Version 2. Collection method: clinical testing. Allele origin: germline. Affected: yes. Observed: 1 variant allele.
Comment: TRPM3: BS1

Ambry Genetics
Classification: Uncertain significance for Inborn genetic diseases. Last evaluated: 2025-08-24. Review status: criteria provided, single submitter. Criteria: Ambry Variant Classification Scheme 2023. Collection method: clinical testing. Allele origin: germline.

NM_001366145.2(TRPM3):c.938T>A (p.Leu313Gln)

Gene: TRPM3 (transient receptor potential cation channel subfamily M member 3; minus strand). Cytogenetic location: 9q21.12.
Variant type: single nucleotide variant.
Coding change: c.938T>A on transcript NM_001366145.2 (MANE Select); coding-DNA position 938, T replaced by A.
Protein change: p.Leu313Gln; replaces leucine 313 with glutamine.
Molecular consequence: missense variant.
Genome position (GRCh38, 1-based): chr9:70,827,882, A>T on the plus strand (T>A on the coding strand, the complement: TRPM3 is on the minus strand). VCF-style: chr9-70827882-A-T. GRCh37 (hg19) VCF-style: chr9-73442798-A-T.
Other names: c.479T>A, p.Leu160Gln (NM_001007470.3, NM_001366154.2, NM_020952.6 and 6 more transcripts); c.938T>A, p.Leu313Gln (NM_001007471.4, NM_001366152.2, NM_001366153.2 and 6 more transcripts); c.944T>A, p.Leu315Gln (NM_001366141.2, NM_001366142.2, NM_001366143.2 and 1 more transcripts); short protein forms L313Q, L315Q, L160Q.
Identifiers: ClinVar variation 4191712 (VCV004191712.5).